The following is an entry in ClinVar:

ClinVar aggregate classification (germline): Uncertain significance. Review status: criteria provided, multiple submitters, no conflicts (2 of 4 stars). 2 submissions from 2 submitters: Uncertain significance (2). Last evaluated 2025-09-29.

Conditions:
Ullrich congenital muscular dystrophy 2 (UCMD2). Identifiers: Orphanet 75840, MedGen C4225314, MONDO:0014654, OMIM 616470.
Bethlem myopathy 2 (BTHLM2). Identifiers: Orphanet 536516, Orphanet 610, MedGen C4225313, MONDO:0034022, OMIM 616471.

Allele frequency attached by ClinVar (database versions not stated): TOPMed below 0.00001.
gnomAD v4.1: 3 of 1,613,910 alleles (0.00019%); highest among the groups gnomAD compares: Middle Eastern, 0.017%; no homozygotes.

Submissions (2):

Labcorp Genetics (formerly Invitae), Labcorp
Classification: Uncertain significance for Bethlem myopathy 2; Ullrich congenital muscular dystrophy 2. Last evaluated: 2025-09-29. Review status: criteria provided, single submitter. Criteria: Invitae Variant Classification Sherloc (09022015). Collection method: clinical testing. Allele origin: germline.
Comment: This sequence change replaces threonine, which is neutral and polar, with isoleucine, which is neutral and non-polar, at codon 2255 of the COL12A1 protein (p.Thr2255Ile). This variant is not present in population databases (gnomAD no frequency). This variant has not been reported in the literature in individuals affected with COL12A1-related conditions. ClinVar contains an entry for this variant (Variation ID: 2930067). Invitae Evidence Modeling of protein sequence and biophysical properties (such as structural, functional, and spatial information, amino acid conservation, physicochemical variation, residue mobility, and thermodynamic stability) indicates that this missense variant is not expected to disrupt COL12A1 protein function with a negative predictive value of 80%. In summary, the available evidence is currently insufficient to determine the role of this variant in disease. Therefore, it has been classified as a Variant of Uncertain Significance.

Blueprint Genetics
Classification: Uncertain significance. Last evaluated: 2023-06-21. Review status: criteria provided, single submitter. Criteria: ACMG Guidelines, 2015. Collection method: clinical testing. Allele origin: germline.

NM_004370.6(COL12A1):c.6764C>T (p.Thr2255Ile)

Gene: COL12A1 (collagen type XII alpha 1 chain; minus strand). Cytogenetic location: 6q13.
Variant type: single nucleotide variant.
Coding change: c.6764C>T on transcript NM_004370.6 (MANE Select); coding-DNA position 6764, C replaced by T.
Protein change: p.Thr2255Ile; replaces threonine 2255 with isoleucine.
Molecular consequence: missense variant.
Genome position (GRCh38, 1-based): chr6:75,124,055, G>A on the plus strand (C>T on the coding strand, the complement: COL12A1 is on the minus strand). VCF-style: chr6-75124055-G-A. GRCh37 (hg19) VCF-style: chr6-75833771-G-A.
Other names: c.6764C>T, p.Thr2255Ile (NM_001424113.1); c.6743C>T, p.Thr2248Ile (NM_001424114.1); c.6491C>T, p.Thr2164Ile (NM_001424115.1); c.3272C>T, p.Thr1091Ile (NM_001424116.1, NM_080645.3); short protein forms T2248I, T2255I, T1091I, T2164I.
Identifiers: ClinVar variation 2930067 (VCV002930067.4), dbSNP rs1765886486, ClinGen allele CA364728624.